The following is an entry in ClinVar:

NC_000007.13:g.(?_24323410)_(25163738_?)dup

Genes: CYCS (cytochrome c, somatic; minus strand), GSDME (gasdermin E; minus strand), NPY (neuropeptide Y; plus strand), OSBPL3 (oxysterol binding protein like 3; minus strand), PALS2 (protein associated with LIN7 2, MAGUK p55 family member; plus strand). Cytogenetic location: 7p15.3.
Variant type: Duplication.
Identifiers: ClinVar variation 3245921 (VCV003245921.1).

ClinVar aggregate classification (germline): Uncertain significance (1 of 4 stars; one submission).

Submission:

Labcorp Genetics (formerly Invitae), Labcorp
Classification: Uncertain significance. Last evaluated: 2023-03-26. Review status: criteria provided, single submitter. Criteria: Invitae Variant Classification Sherloc (09022015). Collection method: clinical testing. Allele origin: unknown.
Comment: This variant has not been reported in the literature in individuals affected with CYCS-related conditions. In summary, the available evidence is currently insufficient to determine the role of this variant in disease. Therefore, it has been classified as a Variant of Uncertain Significance. A copy number gain of the genomic region encompassing the full coding sequence of the CYCS gene has been identified. The boundaries of this event are unknown as they extend beyond the assayed region for this gene and therefore may encompass additional genes. As the precise location of this event is unknown, it may be in tandem or it may be located elsewhere in the genome.